The following is an entry in ClinVar:

NM_005630.3(SLCO2A1):c.356A>G (p.His119Arg)

Gene: SLCO2A1 (solute carrier organic anion transporter family member 2A1; minus strand). Cytogenetic location: 3q22.1.
Variant type: single nucleotide variant.
Coding change: c.356A>G on transcript NM_005630.3 (MANE Select); coding-DNA position 356, A replaced by G.
Protein change: p.His119Arg; replaces histidine 119 with arginine.
Molecular consequence: missense variant.
Genome position (GRCh38, 1-based): chr3:133,973,704, T>C on the plus strand (A>G on the coding strand, the complement: SLCO2A1 is on the minus strand). VCF-style: chr3-133973704-T-C. GRCh37 (hg19) VCF-style: chr3-133692548-T-C.
Other names: short protein forms H119R.
Identifiers: ClinVar variation 1985698 (VCV001985698.5), dbSNP rs769678992, ClinGen allele CA2626859.

ClinVar aggregate classification (germline): Uncertain significance. Review status: criteria provided, multiple submitters, no conflicts (2 of 4 stars). 2 submissions from 2 submitters: Uncertain significance (2). Last evaluated 2023-10-11.

Allele frequency attached by ClinVar (database versions not stated): TOPMed below 0.00001; gnomAD 0.00001; gnomAD exomes 0.00001; ExAC 0.00002.
gnomAD v4.1: 13 of 1,613,838 alleles (0.00081%); highest among the groups gnomAD compares: South Asian, 0.0077%; no homozygotes.

Submissions (2):

Blueprint Genetics
Classification: Uncertain significance. Last evaluated: 2023-10-11. Review status: criteria provided, single submitter. Criteria: ACMG Guidelines, 2015. Collection method: clinical testing. Allele origin: germline.

Labcorp Genetics (formerly Invitae), Labcorp
Classification: Uncertain significance. Last evaluated: 2022-10-05. Review status: criteria provided, single submitter. Criteria: Invitae Variant Classification Sherloc (09022015). Collection method: clinical testing. Allele origin: germline.
Comment: This sequence change replaces histidine, which is basic and polar, with arginine, which is basic and polar, at codon 119 of the SLCO2A1 protein (p.His119Arg). This variant is present in population databases (rs769678992, gnomAD 0.003%). This variant has not been reported in the literature in individuals affected with SLCO2A1-related conditions. Advanced modeling of protein sequence and biophysical properties (such as structural, functional, and spatial information, amino acid conservation, physicochemical variation, residue mobility, and thermodynamic stability) performed at Invitae indicates that this missense variant is expected to disrupt SLCO2A1 protein function. In summary, the available evidence is currently insufficient to determine the role of this variant in disease. Therefore, it has been classified as a Variant of Uncertain Significance.